The following is an entry in ClinVar:

ClinVar aggregate classification (germline): Uncertain significance (1 of 4 stars; one submission).

Conditions:
Cardiovascular phenotype. Identifiers: MedGen CN230736.

Submission:

Ambry Genetics
Classification: Uncertain significance for Cardiovascular phenotype. Last evaluated: 2023-12-11. Review status: criteria provided, single submitter. Criteria: Ambry Variant Classification Scheme 2023. Collection method: clinical testing. Allele origin: germline.
Comment: The p.I2874F variant (also known as c.8620A>T), located in coding exon 26 of the APOB gene, results from an A to T substitution at nucleotide position 8620. The isoleucine at codon 2874 is replaced by phenylalanine, an amino acid with highly similar properties. This amino acid position is conserved. In addition, this alteration is predicted to be tolerated by in silico analysis. Since supporting evidence is limited at this time, the clinical significance of this alteration remains unclear.

NM_000384.3(APOB):c.8620A>T (p.Ile2874Phe)

Gene: APOB (apolipoprotein B; minus strand). Cytogenetic location: 2p24.1.
Variant type: single nucleotide variant.
Coding change: c.8620A>T on transcript NM_000384.3 (MANE Select); coding-DNA position 8620, A replaced by T.
Protein change: p.Ile2874Phe; replaces isoleucine 2874 with phenylalanine.
Molecular consequence: missense variant.
Genome position (GRCh38, 1-based): chr2:21,008,248, T>A on the plus strand (A>T on the coding strand, the complement: APOB is on the minus strand). VCF-style: chr2-21008248-T-A. GRCh37 (hg19) VCF-style: chr2-21231120-T-A.
Other names: short protein forms I2874F.
Identifiers: ClinVar variation 3231465 (VCV003231465.1), dbSNP rs1663205723, ClinGen allele CA345993732.